The following is an entry in ClinVar:

NM_000426.4(LAMA2):c.8126G>T (p.Arg2709Leu)

Gene: LAMA2 (laminin subunit alpha 2; plus strand). Cytogenetic location: 6q22.33.
Variant type: single nucleotide variant.
Coding change: c.8126G>T on transcript NM_000426.4 (MANE Select); coding-DNA position 8126, G replaced by T.
Protein change: p.Arg2709Leu; replaces arginine 2709 with leucine.
Molecular consequence: missense variant.
Genome position (GRCh38, 1-based): chr6:129,492,365, G>T. VCF-style: chr6-129492365-G-T. GRCh37 (hg19) VCF-style: chr6-129813510-G-T.
Other names: c.8114G>T, p.Arg2705Leu (NM_001079823.2); short protein forms R2705L, R2709L.
Identifiers: ClinVar variation 1014330 (VCV001014330.6), dbSNP rs199714288, ClinGen allele CA146918230.

ClinVar aggregate classification (germline): Uncertain significance (1 of 4 stars; one submission).

Conditions:
LAMA2-related muscular dystrophy (LAMA2-RD). Also called: Laminin alpha 2-related dystrophy. Identifiers: MedGen C5679788, MONDO:0100228.

gnomAD v4.1: 3 of 1,614,072 alleles (0.00019%); highest among the groups gnomAD compares: Non-Finnish European, 0.00017%; no homozygotes.

Submission:

Labcorp Genetics (formerly Invitae), Labcorp
Classification: Uncertain significance for LAMA2-related muscular dystrophy. Last evaluated: 2022-06-20. Review status: criteria provided, single submitter. Criteria: Invitae Variant Classification Sherloc (09022015). Collection method: clinical testing. Allele origin: germline.
Comment: This sequence change replaces arginine, which is basic and polar, with leucine, which is neutral and non-polar, at codon 2709 of the LAMA2 protein (p.Arg2709Leu). This variant is not present in population databases (gnomAD no frequency). This variant has not been reported in the literature in individuals affected with LAMA2-related conditions. ClinVar contains an entry for this variant (Variation ID: 1014330). Advanced modeling of protein sequence and biophysical properties (such as structural, functional, and spatial information, amino acid conservation, physicochemical variation, residue mobility, and thermodynamic stability) performed at Invitae indicates that this missense variant is not expected to disrupt LAMA2 protein function. Algorithms developed to predict the effect of sequence changes on RNA splicing suggest that this variant may disrupt the consensus splice site. In summary, the available evidence is currently insufficient to determine the role of this variant in disease. Therefore, it has been classified as a Variant of Uncertain Significance.